The following is an entry in ClinVar:

NM_139318.5(KCNH5):c.566C>G (p.Ser189Ter)

Gene: KCNH5 (potassium voltage-gated channel subfamily H member 5; minus strand). Cytogenetic location: 14q23.2.
Variant type: single nucleotide variant.
Coding change: c.566C>G on transcript NM_139318.5 (MANE Select); coding-DNA position 566, C replaced by G.
Protein change: p.Ser189Ter; replaces serine 189 with a stop codon.
Molecular consequence: nonsense.
Genome position (GRCh38, 1-based): chr14:62,981,248, G>C on the plus strand (C>G on the coding strand, the complement: KCNH5 is on the minus strand). VCF-style: chr14-62981248-G-C. GRCh37 (hg19) VCF-style: chr14-63447966-G-C.
Other names: c.566C>G, p.Ser189Ter (NM_172375.3); short protein forms S189*.
Identifiers: ClinVar variation 653887 (VCV000653887.8), dbSNP rs1381625125, ClinGen allele CA390104633.

ClinVar aggregate classification (germline): Uncertain significance. Review status: criteria provided, multiple submitters, no conflicts (2 of 4 stars). 2 submissions from 2 submitters: Uncertain significance (2). Last evaluated 2025-06-20.

Conditions:
Early-infantile DEE. Also called: Early infantile epileptic encephalopathy with suppression bursts; Early infantile epileptic encephalopathy; Ohtahara syndrome. Identifiers: Orphanet 1934, MedGen C0393706, MONDO:0800491.

Submissions (2):

GeneDx
Classification: Uncertain significance. Last evaluated: 2025-06-20. Review status: criteria provided, single submitter. Criteria: GeneDx Variant Classification Process June 2021. Collection method: clinical testing. Allele origin: germline. Affected: yes.
Comment: Nonsense variant predicted to result in protein truncation or nonsense mediated decay in a gene or region of a gene for which loss of function is not a well-established mechanism of disease; Not observed at significant frequency in large population cohorts (gnomAD); Has not been previously published as pathogenic or benign to our knowledge

Labcorp Genetics (formerly Invitae), Labcorp
Classification: Uncertain significance for Early-infantile DEE. Last evaluated: 2018-08-30. Review status: criteria provided, single submitter. Criteria: Invitae Variant Classification Sherloc (09022015). Collection method: clinical testing. Allele origin: germline.
Comment: This variant has not been reported in the literature in individuals with KCNH5-related disease. The current clinical and genetic evidence is not sufficient to establish whether loss-of-function variants in KCNH5 cause disease. In summary, the available evidence is currently insufficient to determine the role of this variant in disease. Therefore, it has been classified as a Variant of Uncertain Significance. This variant is not present in population databases (ExAC no frequency). This sequence change creates a premature translational stop signal (p.Ser189*) in the KCNH5 gene. It is expected to result in an absent or disrupted protein product.